The following is an entry in ClinVar:

NM_152703.5(SAMD9L):c.2032G>C (p.Glu678Gln)

Gene: SAMD9L (sterile alpha motif domain containing 9 like; minus strand). Cytogenetic location: 7q21.2.
Variant type: single nucleotide variant.
Coding change: c.2032G>C on transcript NM_152703.5 (MANE Select); coding-DNA position 2032, G replaced by C.
Protein change: p.Glu678Gln; replaces glutamic acid 678 with glutamine.
Molecular consequence: missense variant.
Genome position (GRCh38, 1-based): chr7:93,133,940, C>G on the plus strand (G>C on the coding strand, the complement: SAMD9L is on the minus strand). VCF-style: chr7-93133940-C-G. GRCh37 (hg19) VCF-style: chr7-92763253-C-G.
Other names: c.2032G>C, p.Glu678Gln (NM_001303496.3, NM_001303497.3, NM_001303498.3 and 5 more transcripts); c.2032G>C (NM_152703.2); short protein forms E678Q.
Identifiers: ClinVar variation 1049174 (VCV001049174.2), dbSNP rs1459788150, ClinGen allele CA368193488.

ClinVar aggregate classification (germline): Uncertain significance. Review status: criteria provided, single submitter (1 of 4 stars). 2 submissions from 2 submitters: Uncertain significance (1). 1 of the submissions does not count toward it. Last evaluated 2025-01-08.

Conditions:
Inborn genetic diseases. Identifiers: MedGen C0950123, MeSH D030342.

Allele frequency attached by ClinVar (database versions not stated): gnomAD exomes below 0.00001.

Submissions (2):

Ambry Genetics
Classification: Uncertain significance for Inborn genetic diseases. Last evaluated: 2025-01-08. Review status: criteria provided, single submitter. Criteria: Ambry Variant Classification Scheme 2023. Collection method: clinical testing. Allele origin: germline.
Comment: The p.E678Q variant (also known as c.2032G>C), located in coding exon 1 of the SAMD9L gene, results from a G to C substitution at nucleotide position 2032. The glutamic acid at codon 678 is replaced by glutamine, an amino acid with highly similar properties. This amino acid position is conserved. In addition, this alteration is predicted to be tolerated by in silico analysis. Based on the available evidence, the clinical significance of this variant remains unclear.

Department of Pathology and Laboratory Medicine, Sinai Health System
Classification: Uncertain significance. Review status: no assertion criteria provided. Collection method: clinical testing. Allele origin: unknown. Affected: yes. Study: The Canadian Open Genetics Repository (COGR). Not counted in ClinVar's aggregate classification.
Comment: TheÂ¬â€ SAMD9L p.E678Q variant was not identified in the literature nor was it identified in ClinVar.Â¬â€ The variant was identified in dbSNP (ID: rs1459788150) and in control databases in 1 of 250126 chromosomes at a frequency of 0.000003998 (Genome Aggregation Database March 6, 2019, v2.1.1). The p.E678 residue is conserved in mammals and computational analyses (MUT Assesor, SIFT, MutationTaster, Revel, FATHMM, MetaLR, DANN) provide inconsistent predictions regarding the impact to the protein; this information is not very predictive of pathogenicity. The variant occurs outside of the splicing consensus sequence and in silico or computational prediction software programs (Splice AI exome) do not predict a difference in splicing.Â¬â€ In summary, based on the above information the clinical significance of this variant cannot be determined with certainty at this time. This variant is classified as a variant of uncertain significance.